The following is an entry in ClinVar:

NM_001958.5(EEF1A2):c.1030-232GCCCCT[3]

Gene: EEF1A2 (eukaryotic translation elongation factor 1 alpha 2; minus strand). Cytogenetic location: 20q13.33.
Variant type: Microsatellite.
Coding change: c.1030-232GCCCCT[3] on transcript NM_001958.5 (MANE Select); three copies in a row of the 6-base unit GCCCCT starting at c.1030-232; the reference has two copies in a row; one copy, 6 bases duplicated.
Molecular consequence: intron variant.
Genome position (GRCh38, 1-based): chr20:63,489,373-63,489,378, AGGGGC duplicated on the plus strand (GCCCCT on the coding strand, the reverse complement: EEF1A2 is on the minus strand); duplicating any 6 consecutive bases within chr20:63,489,373-63,489,386 gives the same sequence; the position shown is the placement nearest the transcript's 3' end. VCF-style (leftmost placement, unchanged base first): chr20-63489372-A-AAGGGGC. GRCh37 (hg19) VCF-style: chr20-62120725-A-AAGGGGC.
Identifiers: ClinVar variation 677373 (VCV000677373.1), dbSNP rs143950056, ClinGen allele CA317436692.

ClinVar aggregate classification (germline): Benign (1 of 4 stars; one submission).

Submission:

GeneDx
Classification: Benign. Last evaluated: 2018-06-19. Review status: criteria provided, single submitter. Criteria: GeneDx Variant Classification (06012015). Collection method: clinical testing. Allele origin: germline. Affected: yes.
Comment: This variant is considered likely benign or benign based on one or more of the following criteria: it is a conservative change, it occurs at a poorly conserved position in the protein, it is predicted to be benign by multiple in silico algorithms, and/or has population frequency not consistent with disease.